The following is an entry in ClinVar:

ClinVar aggregate classification (germline): Likely benign. Review status: criteria provided, multiple submitters, no conflicts (2 of 4 stars). 3 submissions from 3 submitters: Likely benign (3). Last evaluated 2026-01-28.

Conditions:
Hereditary breast ovarian cancer syndrome. Also called: Hereditary breast and ovarian cancer syndrome; BRCA1- and BRCA2-Associated Hereditary Breast and Ovarian Cancer; Hereditary breast and ovarian cancer syndrome (HBOC); Hereditary breast and/or ovarian cancer syndrome; Breast and ovarian cancer; Hereditary breast and ovarian cancer. Identifiers: Orphanet 145, MedGen C0677776, MeSH D061325, MONDO:0003582. Disease mechanism: loss of function.

Allele frequency attached by ClinVar (database versions not stated): gnomAD 0.00001; TOPMed 0.00001.
gnomAD v4.1: 1 of 1,614,048 alleles (0.000062%); highest among the groups gnomAD compares: Admixed American, 0.0017%; no homozygotes.

Submissions (3):

Labcorp Genetics (formerly Invitae), Labcorp
Classification: Likely benign for Hereditary breast ovarian cancer syndrome. Last evaluated: 2026-01-28. Review status: criteria provided, single submitter. Criteria: Invitae Variant Classification Sherloc (09022015). Collection method: clinical testing. Allele origin: germline.

Quest Diagnostics Nichols Institute San Juan Capistrano
Classification: Likely benign. Last evaluated: 2022-11-11. Review status: criteria provided, single submitter. Criteria: Quest Diagnostics criteria. Collection method: clinical testing. Allele origin: unknown.

Women's Health and Genetics/Laboratory Corporation of America, LabCorp
Classification: Likely benign. Last evaluated: 2022-03-27. Review status: criteria provided, single submitter. Criteria: LabCorp Variant Classification Summary - May 2015. Collection method: clinical testing. Allele origin: germline.
Comment: Variant summary: BRCA1 c.2820T>C alters a non-conserved nucleotide resulting in a synonymous change. 4/4 computational tools predict no significant impact on normal splicing. However, these predictions have yet to be confirmed by functional studies. The variant was absent in 251258 control chromosomes. The available data on variant occurrences in the general population are insufficient to allow any conclusion about variant significance. To our knowledge, no occurrence of c.2820T>C in individuals affected with Hereditary Breast And Ovarian Cancer Syndrome and no experimental evidence demonstrating its impact on protein function have been reported. No clinical diagnostic laboratories have submitted clinical-significance assessments for this variant to ClinVar after 2014. Based on the evidence outlined above, the variant was classified as likely benign.

NM_007294.4(BRCA1):c.2820T>C (p.Asp940=)

Gene: BRCA1 (BRCA1 DNA repair associated; minus strand). Cytogenetic location: 17q21.31.
Variant type: single nucleotide variant.
Coding change: c.2820T>C on transcript NM_007294.4 (MANE Select); coding-DNA position 2820, T replaced by C.
Protein change: p.Asp940=; no amino-acid change (aspartic acid 940 retained).
Molecular consequence: synonymous variant. On other transcripts: intron variant (137).
Genome position (GRCh38, 1-based): chr17:43,092,711, A>G on the plus strand (T>C on the coding strand, the complement: BRCA1 is on the minus strand). VCF-style: chr17-43092711-A-G. GRCh37 (hg19) VCF-style: chr17-41244728-A-G.
Other names: c.284-1679T>C (NM_001408512.1); c.407-1679T>C (NM_001408510.1); c.644-1679T>C (NM_001408470.1, NM_001408464.1, NM_001408468.1 and 3 more transcripts); c.647-1679T>C (NM_001408469.1, NM_001408453.1, NM_001408461.1 and 11 more transcripts); c.785-1679T>C (NM_001408397.1, NM_001408401.1, NM_001408396.1 and 13 more transcripts); c.665-1679T>C (NM_001408436.1, NM_001408444.1, NM_001408438.1 and 12 more transcripts); c.788-1679T>C (NM_001407980.1, NM_001407993.1, NM_001407976.1 and 17 more transcripts); c.653-1679T>C (NM_001408451.1); and 41 more.
Identifiers: ClinVar variation 1677194 (VCV001677194.8), dbSNP rs1414992991, ClinGen allele CA500232639.